The following is an entry in ClinVar:

ClinVar aggregate classification (germline): Uncertain significance (0 of 4 stars; one submission).

Conditions:
ALAS2-related disorder. Also called: ALAS2-related condition.

gnomAD v4.1: 7 of 1,211,051 alleles (0.00058%); highest among the groups gnomAD compares: African/African-American, 0.0017%; no homozygotes.

Submission:

PreventionGenetics, part of Exact Sciences
Classification: Uncertain significance for ALAS2-related condition. Last evaluated: 2024-07-10. Review status: no assertion criteria provided. Collection method: clinical testing. Allele origin: germline.
Comment: The ALAS2 c.50G>A variant is predicted to result in the amino acid substitution p.Gly17Asp. To our knowledge, this variant has not been reported in the literature. This variant is reported in 0.0076% of alleles in individuals of African descent in gnomAD v2 (displayed in the table above). However, in gnomAD v4 (available only on GRCh38), this variant is reported in 7 out of 1,211,000 alleles, including 2 hemizgotes, which may be too common to be causative. At this time, the clinical significance of this variant is uncertain due to the absence of conclusive functional and genetic evidence.

NM_000032.5(ALAS2):c.50G>A (p.Gly17Asp)

Genes: ALAS2 (5'-aminolevulinate synthase 2; minus strand), LOC108663984 (ALAS2 intron 1 and 3 erythroid regulatory elements; plus strand). Cytogenetic location: Xp11.21.
Variant type: single nucleotide variant.
Coding change: c.50G>A on transcript NM_000032.5 (MANE Select); coding-DNA position 50, G replaced by A.
Protein change: p.Gly17Asp; replaces glycine 17 with aspartic acid.
Molecular consequence: missense variant.
Genome position (GRCh38, 1-based): chrX:55,025,951, C>T on the plus strand (G>A on the coding strand, the complement: ALAS2 is on the minus strand). VCF-style: chrX-55025951-C-T. GRCh37 (hg19) VCF-style: chrX-55052384-C-T.
Other names: c.50G>A, p.Gly17Asp (NM_001037967.4); c.122G>A, p.Gly41Asp (NM_001037968.4); short protein forms G17D, G41D.
Identifiers: ClinVar variation 3352863 (VCV003352863.1).
Genomic context (GRCh38, chrX:55,025,951, plus strand): 5'-CGTCCAATACCAAACAGGAACTGGTGAGTCTTAACCACCTTGCCTAGGAGGCTTGTGGGG[C>T]CCCGGGCAAGCACTGGGCAGCACTGTAGCAGCATGGCTGCAGTCACCATCTTGAACCTAA-3'
Protein context (NP_000023.2, residues 7-27): LLQCCPVLAR[Gly17Asp]PTSLLGKVVK